The following is an entry in ClinVar:

NM_001373.1:c.1271A>G

Gene: DNAH14 (dynein axonemal heavy chain 14; plus strand).
Variant type: single nucleotide variant.
Identifiers: ClinVar variation 4242120 (VCV004242120.2).

ClinVar aggregate classification (germline): Uncertain significance. Review status: criteria provided, multiple submitters, no conflicts (2 of 4 stars). 2 submissions from 2 submitters: Uncertain significance (2). Last evaluated 2025-08-20.

Submissions (2):

Ambry Genetics
Classification: Uncertain significance. Last evaluated: 2025-08-20. Review status: criteria provided, single submitter. Criteria: Ambry Variant Classification Scheme 2023. Collection method: clinical testing. Allele origin: germline.

GeneDx
Classification: Uncertain significance. Last evaluated: 2025-04-30. Review status: criteria provided, single submitter. Criteria: GeneDx Variant Classification Process June 2021. Collection method: clinical testing. Allele origin: germline. Affected: yes.
Comment: Not observed at significant frequency in large population cohorts (gnomAD); In silico analysis supports that this missense variant has a deleterious effect on protein structure/function; Has not been previously published as pathogenic or benign to our knowledge